The following is an entry in ClinVar:

ClinVar aggregate classification (germline): Uncertain significance (1 of 4 stars; one submission).

Submission:

GeneDx
Classification: Uncertain significance. Last evaluated: 2025-05-14. Review status: criteria provided, single submitter. Criteria: GeneDx Variant Classification Process June 2021. Collection method: clinical testing. Allele origin: germline. Affected: yes.
Comment: Not observed at significant frequency in large population cohorts (gnomAD); In silico analysis supports that this missense variant has a deleterious effect on protein structure/function; Has not been previously published as pathogenic or benign to our knowledge

NM_014516.4(CNOT3):c.688G>C (p.Asp230His)

Gene: CNOT3 (CCR4-NOT transcription complex subunit 3; plus strand). Cytogenetic location: 19q13.42.
Variant type: single nucleotide variant.
Coding change: c.688G>C on transcript NM_014516.4 (MANE Select); coding-DNA position 688, G replaced by C.
Protein change: p.Asp230His; replaces aspartic acid 230 with histidine.
Molecular consequence: missense variant. On other transcripts: non-coding transcript variant (2).
Genome position (GRCh38, 1-based): chr19:54,145,802, G>C. VCF-style: chr19-54145802-G-C. GRCh37 (hg19) VCF-style: chr19-54649538-G-C.
Other names: c.688G>C, p.Asp230His (NM_001440656.1, NM_001440658.1, NM_001440664.1 and 1 more transcripts); c.691G>C, p.Asp231His (NM_001440657.1, NM_001440661.1, NM_001440662.1 and 3 more transcripts); c.145G>C, p.Asp49His (NM_001440659.1, NM_001440660.1); short protein forms D230H, D231H, D49H.
Identifiers: ClinVar variation 4529783 (VCV004529783.1).